The following is an entry in ClinVar:

ClinVar aggregate classification (germline): Uncertain significance (1 of 4 stars; one submission).

Conditions:
Angelman syndrome-like. Identifiers: MedGen CN128785.
Developmental and epileptic encephalopathy, 2 (DEE2). Also called: INFANTILE SPASM SYNDROME, X-LINKED 2; CDKL5 deficiency disorder. Identifiers: Orphanet 1934, Orphanet 3451, Orphanet 505652, MedGen C4750718, MONDO:0010396, OMIM 300672.

Submission:

Labcorp Genetics (formerly Invitae), Labcorp
Classification: Uncertain significance for Developmental and epileptic encephalopathy, 2; Angelman syndrome-like. Last evaluated: 2021-08-06. Review status: criteria provided, single submitter. Criteria: Invitae Variant Classification Sherloc (09022015). Collection method: clinical testing. Allele origin: germline.
Comment: In summary, the available evidence is currently insufficient to determine the role of this variant in disease. Therefore, it has been classified as a Variant of Uncertain Significance. Advanced modeling of protein sequence and biophysical properties (such as structural, functional, and spatial information, amino acid conservation, physicochemical variation, residue mobility, and thermodynamic stability) performed at Invitae indicates that this missense variant is expected to disrupt CDKL5 protein function. This variant has not been reported in the literature in individuals with CDKL5-related conditions. This variant is not present in population databases (ExAC no frequency). This sequence change replaces arginine with glycine at codon 81 of the CDKL5 protein (p.Arg81Gly). The arginine residue is highly conserved and there is a moderate physicochemical difference between arginine and glycine.

NM_001323289.2(CDKL5):c.241C>G (p.Arg81Gly)

Gene: CDKL5 (cyclin dependent kinase like 5; plus strand). Cytogenetic location: Xp22.13.
Variant type: single nucleotide variant.
Coding change: c.241C>G on transcript NM_001323289.2 (MANE Select); coding-DNA position 241, C replaced by G.
Protein change: p.Arg81Gly; replaces arginine 81 with glycine.
Molecular consequence: missense variant.
Genome position (GRCh38, 1-based): chrX:18,575,449, C>G. VCF-style: chrX-18575449-C-G. GRCh37 (hg19) VCF-style: chrX-18593569-C-G.
Other names: c.241C>G, p.Arg81Gly (NM_001037343.2, NM_003159.3); short protein forms R81G.
Identifiers: ClinVar variation 1450613 (VCV001450613.8), dbSNP rs1925266779, ClinGen allele CA412348735.
Genomic context (GRCh38, chrX:18,575,449, plus strand): 5'-CTTAAAATGCTTCGGACTCTCAAGCAGGAAAACATTGTGGAGTTGAAGGAAGCATTTCGT[C>G]GGAGGGGAAAGTTGTACTTGGTGTTTGAGTATGTTGAAAAAGTAAGTCATTAATTGCCAA-3'
Protein context (NP_001310218.1, residues 71-91): NIVELKEAFR[Arg81Gly]RGKLYLVFEY